The following is an entry in ClinVar:

ClinVar aggregate classification (germline): Uncertain significance (1 of 4 stars; one submission).

gnomAD v4.1: 1 of 1,614,156 alleles (0.000062%); highest among the groups gnomAD compares: Non-Finnish European, 0.000085%; no homozygotes.

Submission:

GeneDx
Classification: Uncertain significance. Last evaluated: 2024-10-10. Review status: criteria provided, single submitter. Criteria: GeneDx Variant Classification Process June 2021. Collection method: clinical testing. Allele origin: germline. Affected: yes.
Comment: Not observed at significant frequency in large population cohorts (gnomAD); In silico analysis supports that this missense variant has a deleterious effect on protein structure/function; Has not been previously published as pathogenic or benign to our knowledge; This variant is associated with the following publications: (PMID: 25471517)

NM_005051.3(QARS1):c.2206A>G (p.Lys736Glu)

Gene: QARS1 (glutaminyl-tRNA synthetase 1; minus strand). Cytogenetic location: 3p21.31.
Variant type: single nucleotide variant.
Coding change: c.2206A>G on transcript NM_005051.3 (MANE Select); coding-DNA position 2206, A replaced by G.
Protein change: p.Lys736Glu; replaces lysine 736 with glutamic acid.
Molecular consequence: missense variant. On other transcripts: non-coding transcript variant (1).
Genome position (GRCh38, 1-based): chr3:49,098,063, T>C on the plus strand (A>G on the coding strand, the complement: QARS1 is on the minus strand). VCF-style: chr3-49098063-T-C. GRCh37 (hg19) VCF-style: chr3-49135496-T-C.
Other names: c.2173A>G, p.Lys725Glu (NM_001272073.2); short protein forms K725E, K736E.
Identifiers: ClinVar variation 3777623 (VCV003777623.1).
Genomic context (GRCh38, chr3:49,098,063, plus strand): 5'-GGCTGTCTGGATCCACGGAGAAATATCCAAGACGCTCAAACTGGAACTTGTCGAAGGGTT[T>C]TGCCAGGGCCACAGAGCAGTCCACTAATGCTGCATCCACCACGTGTAGTGATGCCTGCAG-3'
Protein context (NP_005042.1, residues 726-746): ALVDCSVALA[Lys736Glu]PFDKFQFERL